The following is an entry in ClinVar:

ClinVar aggregate classification (germline): Uncertain significance. Review status: criteria provided, single submitter (1 of 4 stars). 2 submissions from 2 submitters: Uncertain significance (1). 1 of the submissions does not count toward it. Last evaluated 2022-02-07.

Conditions:
Prostate cancer, hereditary, 1 (HPC1). Identifiers: Orphanet 1331, MedGen C4722327, MONDO:0011098, OMIM 601518.

Submissions (2):

Labcorp Genetics (formerly Invitae), Labcorp
Classification: Uncertain significance. Last evaluated: 2022-02-07. Review status: criteria provided, single submitter. Criteria: Invitae Variant Classification Sherloc (09022015). Collection method: clinical testing. Allele origin: germline.
Comment: This sequence change replaces proline, which is neutral and non-polar, with alanine, which is neutral and non-polar, at codon 165 of the HOXB13 protein (p.Pro165Ala). In summary, the available evidence is currently insufficient to determine the role of this variant in disease. Therefore, it has been classified as a Variant of Uncertain Significance. Algorithms developed to predict the effect of missense changes on protein structure and function (SIFT, PolyPhen-2, Align-GVGD) all suggest that this variant is likely to be tolerated. ClinVar contains an entry for this variant (Variation ID: 690800). This variant has not been reported in the literature in individuals affected with HOXB13-related conditions. This variant is not present in population databases (gnomAD no frequency).

Laboratory of Virology, Microbiology,  Quality and Medical Biotechnologies, Faculty of Sciences and Techniques - Mohammedia, Hassan II University of Casablanca
Classification: Uncertain significance for Prostate cancer, hereditary, 1. Review status: no assertion criteria provided. Collection method: clinical testing. Allele origin: somatic. Affected: yes. Not counted in ClinVar's aggregate classification.

NM_006361.6(HOXB13):c.493C>G (p.Pro165Ala)

Gene: HOXB13 (homeobox B13; minus strand). Cytogenetic location: 17q21.32.
Variant type: single nucleotide variant.
Coding change: c.493C>G on transcript NM_006361.6 (MANE Select); coding-DNA position 493, C replaced by G.
Protein change: p.Pro165Ala; replaces proline 165 with alanine.
Molecular consequence: missense variant.
Genome position (GRCh38, 1-based): chr17:48,728,101, G>C on the plus strand (C>G on the coding strand, the complement: HOXB13 is on the minus strand). VCF-style: chr17-48728101-G-C. GRCh37 (hg19) VCF-style: chr17-46805463-G-C.
Other names: short protein forms P165A.
Identifiers: ClinVar variation 690800 (VCV000690800.6), dbSNP rs1597934017, ClinGen allele CA400107341.